The following is an entry in ClinVar:

ClinVar aggregate classification (germline): Uncertain significance (1 of 4 stars; one submission).

Allele frequency attached by ClinVar (database versions not stated): gnomAD exomes below 0.00001.
gnomAD v4.1: 4 of 1,613,716 alleles (0.00025%); highest among the groups gnomAD compares: Non-Finnish European, 0.00034%; no homozygotes.

Submission:

GeneDx
Classification: Uncertain significance. Last evaluated: 2017-04-27. Review status: criteria provided, single submitter. Criteria: GeneDx Variant Classification (06012015). Collection method: clinical testing. Allele origin: germline. Affected: yes.
Comment: The M596T variant in the POLG gene has not been reported previously as a pathogenic variant, nor as a benign variant, to our knowledge. The M596T variant is not observed in large population cohorts (Lek et al., 2016; 1000 Genomes Consortium et al., 2015; Exome Variant Server). The M596T variant is a non-conservative amino acid substitution, which is likely to impact secondary protein structure as these residues differ in polarity, charge, size and/or other properties. This substitution occurs at a position that is conserved across species. In silico analysis is inconsistent in its predictions as to whether or not the variant is damaging to the protein structure/function. We interpret M596T as a variant of uncertain significance.

NM_002693.3(POLG):c.1787T>C (p.Met596Thr)

Gene: POLG (DNA polymerase gamma, catalytic subunit; minus strand). Cytogenetic location: 15q26.1.
Variant type: single nucleotide variant.
Coding change: c.1787T>C on transcript NM_002693.3 (MANE Select); coding-DNA position 1787, T replaced by C.
Protein change: p.Met596Thr; replaces methionine 596 with threonine.
Molecular consequence: missense variant.
Genome position (GRCh38, 1-based): chr15:89,325,612, A>G on the plus strand (T>C on the coding strand, the complement: POLG is on the minus strand). VCF-style: chr15-89325612-A-G. GRCh37 (hg19) VCF-style: chr15-89868843-A-G.
Other names: c.1787T>C, p.Met596Thr (NM_001126131.2); short protein forms M596T.
Identifiers: ClinVar variation 426198 (VCV000426198.2), dbSNP rs1085307495, ClinGen allele CA393759364.